The following is an entry in ClinVar:

ClinVar aggregate classification (germline): Uncertain significance. Review status: criteria provided, multiple submitters, no conflicts (2 of 4 stars). 5 submissions from 5 submitters: Uncertain significance (5). Last evaluated 2025-08-02.

Conditions:
COL9A1-related disorder. Also called: COL9A1-related disorders; COL9A1-related condition.
Inborn genetic diseases. Identifiers: MedGen C0950123, MeSH D030342.

Allele frequency attached by ClinVar (database versions not stated): TOPMed 0.00007; 1000 Genomes Project 0.00040.
gnomAD v4.1: 44 of 1,613,028 alleles (0.0027%); highest among the groups gnomAD compares: Admixed American, 0.065%; no homozygotes.

Submissions (5):

Ambry Genetics
Classification: Uncertain significance for Inborn genetic diseases. Last evaluated: 2025-08-02. Review status: criteria provided, single submitter. Criteria: Ambry Variant Classification Scheme 2023. Collection method: clinical testing. Allele origin: germline.

PreventionGenetics, part of Exact Sciences
Classification: Uncertain significance for COL9A1-related condition. Last evaluated: 2025-07-30. Review status: criteria provided, single submitter. Criteria: ACMG Guidelines, 2015. Collection method: clinical testing. Allele origin: germline.
Comment: The COL9A1 c.959G>A variant is predicted to result in the amino acid substitution p.Gly320Asp. To our knowledge, this variant has not been reported in the literature. This variant is reported in 0.020% of alleles in individuals of Latino descent in gnomAD. At this time, the clinical significance of this variant is uncertain due to the absence of conclusive functional and genetic evidence.

GeneDx
Classification: Uncertain significance. Last evaluated: 2025-03-18. Review status: criteria provided, single submitter. Criteria: GeneDx Variant Classification Process June 2021. Collection method: clinical testing. Allele origin: germline.
Comment: In silico analysis supports that this missense variant has a deleterious effect on protein structure/function; Has not been previously published as pathogenic or benign to our knowledge

Blueprint Genetics
Classification: Uncertain significance. Last evaluated: 2022-10-07. Review status: criteria provided, single submitter. Criteria: ACMG Guidelines, 2015. Collection method: clinical testing. Allele origin: germline.

Labcorp Genetics (formerly Invitae), Labcorp
Classification: Uncertain significance. Last evaluated: 2022-08-08. Review status: criteria provided, single submitter. Criteria: Invitae Variant Classification Sherloc (09022015). Collection method: clinical testing. Allele origin: germline.
Comment: This sequence change replaces glycine, which is neutral and non-polar, with aspartic acid, which is acidic and polar, at codon 320 of the COL9A1 protein (p.Gly320Asp). This variant is present in population databases (rs187291813, gnomAD 0.02%). This variant has not been reported in the literature in individuals affected with COL9A1-related conditions. ClinVar contains an entry for this variant (Variation ID: 1034968). Advanced modeling of protein sequence and biophysical properties (such as structural, functional, and spatial information, amino acid conservation, physicochemical variation, residue mobility, and thermodynamic stability) performed at Invitae indicates that this missense variant is expected to disrupt COL9A1 protein function. In summary, the available evidence is currently insufficient to determine the role of this variant in disease. Therefore, it has been classified as a Variant of Uncertain Significance.

NM_001851.6(COL9A1):c.959G>A (p.Gly320Asp)

Gene: COL9A1 (collagen type IX alpha 1 chain; minus strand). Cytogenetic location: 6q13.
Variant type: single nucleotide variant.
Coding change: c.959G>A on transcript NM_001851.6 (MANE Select); coding-DNA position 959, G replaced by A.
Protein change: p.Gly320Asp; replaces glycine 320 with aspartic acid.
Molecular consequence: missense variant. On other transcripts: non-coding transcript variant (1).
Genome position (GRCh38, 1-based): chr6:70,280,828, C>T on the plus strand (G>A on the coding strand, the complement: COL9A1 is on the minus strand). VCF-style: chr6-70280828-C-T. GRCh37 (hg19) VCF-style: chr6-70990531-C-T.
Other names: c.230G>A, p.Gly77Asp (NM_001377289.1, NM_001377290.1, NM_078485.4); c.959G>A, p.Gly320Asp (NM_001377291.1); c.959G>A (NM_001851.4); short protein forms G320D, G77D.
Identifiers: ClinVar variation 1034968 (VCV001034968.8), dbSNP rs187291813, ClinGen allele CA3882548.
Genomic context (GRCh38, chr6:70,280,828, plus strand): 5'-CACACACCCCAGGCTGGGCGCCCTCCCAGCACTCGCCTACTCACATCAGCGCCAGGTGTG[C>T]CAGGCTTGCCTGGAGCTCCTGGCTTTCCCGGTTCACCTGCAGGACCCTGAGCAGGGGCAG-3'
Protein context (NP_001842.3, residues 310-330): PGKPGAPGKP[Gly320Asp]TPGADGLTGP